The following is an entry in ClinVar:

NM_001113378.2(FANCI):c.1585C>A (p.Gln529Lys)

Gene: FANCI (FA complementation group I; plus strand). Cytogenetic location: 15q26.1.
Variant type: single nucleotide variant.
Coding change: c.1585C>A on transcript NM_001113378.2 (MANE Select); coding-DNA position 1585, C replaced by A.
Protein change: p.Gln529Lys; replaces glutamine 529 with lysine.
Molecular consequence: missense variant.
Genome position (GRCh38, 1-based): chr15:89,283,137, C>A. VCF-style: chr15-89283137-C-A. GRCh37 (hg19) VCF-style: chr15-89826368-C-A.
Other names: c.1306C>A, p.Gln436Lys (NM_001376910.1); c.1585C>A, p.Gln529Lys (NM_001376911.1, NM_018193.3); short protein forms Q529K, Q436K.
Identifiers: ClinVar variation 3711345 (VCV003711345.2).

ClinVar aggregate classification (germline): Uncertain significance (1 of 4 stars; one submission).

Conditions:
Fanconi anemia (FA). Also called: Fanconi's anemia. Identifiers: Orphanet 84, MedGen C0015625, MeSH D005199, MONDO:0019391.

gnomAD v4.1: 5 of 1,614,120 alleles (0.00031%); highest among the groups gnomAD compares: Non-Finnish European, 0.00042%; no homozygotes.

Submission:

Labcorp Genetics (formerly Invitae), Labcorp
Classification: Uncertain significance for Fanconi anemia. Last evaluated: 2024-07-16. Review status: criteria provided, single submitter. Criteria: Invitae Variant Classification Sherloc (09022015). Collection method: clinical testing. Allele origin: germline.
Comment: This sequence change replaces glutamine, which is neutral and polar, with lysine, which is basic and polar, at codon 529 of the FANCI protein (p.Gln529Lys). This variant is present in population databases (rs755963137, gnomAD 0.002%). This variant has not been reported in the literature in individuals affected with FANCI-related conditions. An algorithm developed to predict the effect of missense changes on protein structure and function (PolyPhen-2) suggests that this variant is likely to be tolerated. In summary, the available evidence is currently insufficient to determine the role of this variant in disease. Therefore, it has been classified as a Variant of Uncertain Significance.